The following is an entry in ClinVar:

ClinVar aggregate classification (germline): Uncertain significance (1 of 4 stars; one submission).

Conditions:
Pitt-Hopkins-like syndrome 2 (PTHSL2). Identifiers: Orphanet 221150, Orphanet 600663, MedGen C3280479, MONDO:0013690, OMIM 614325.

Submission:

Labcorp Genetics (formerly Invitae), Labcorp
Classification: Uncertain significance for Pitt-Hopkins-like syndrome 2. Last evaluated: 2024-07-19. Review status: criteria provided, single submitter. Criteria: Invitae Variant Classification Sherloc (09022015). Collection method: clinical testing. Allele origin: germline.
Comment: This sequence change replaces aspartic acid, which is acidic and polar, with alanine, which is neutral and non-polar, at codon 1436 of the NRXN1 protein (p.Asp1436Ala). This variant is not present in population databases (gnomAD no frequency). This variant has not been reported in the literature in individuals affected with NRXN1-related conditions. Advanced modeling of protein sequence and biophysical properties (such as structural, functional, and spatial information, amino acid conservation, physicochemical variation, residue mobility, and thermodynamic stability) performed at Invitae indicates that this missense variant is not expected to disrupt NRXN1 protein function with a negative predictive value of 80%. In summary, the available evidence is currently insufficient to determine the role of this variant in disease. Therefore, it has been classified as a Variant of Uncertain Significance.

NM_001330078.2(NRXN1):c.4187A>C (p.Asp1396Ala)

Gene: NRXN1 (neurexin 1; minus strand). Cytogenetic location: 2p16.3.
Variant type: single nucleotide variant.
Coding change: c.4187A>C on transcript NM_001330078.2 (MANE Select); coding-DNA position 4187, A replaced by C.
Protein change: p.Asp1396Ala; replaces aspartic acid 1396 with alanine.
Molecular consequence: missense variant.
Genome position (GRCh38, 1-based): chr2:49,943,733, T>G on the plus strand (A>C on the coding strand, the complement: NRXN1 is on the minus strand). VCF-style: chr2-49943733-T-G. GRCh37 (hg19) VCF-style: chr2-50170871-T-G.
Other names: c.4307A>C, p.Asp1436Ala (NM_001135659.3); c.92A>C, p.Asp31Ala (NM_001320156.4, NM_001320157.4); c.4163A>C, p.Asp1388Ala (NM_001330077.2, NM_001330082.2); c.4031A>C, p.Asp1344Ala (NM_001330083.2); c.4121A>C, p.Asp1374Ala (NM_001330084.2); c.4160A>C, p.Asp1387Ala (NM_001330085.2); c.4187A>C, p.Asp1396Ala (NM_001330086.2); c.3986A>C, p.Asp1329Ala (NM_001330087.2, NM_001330096.2); and 7 more; short protein forms D1349A, D31A, D1366A, D1387A, D361A, D1329A, D1374A, D1388A.
Identifiers: ClinVar variation 3654231 (VCV003654231.2).